The following is an entry in ClinVar:

NM_001165963.4(SCN1A):c.2608G>A (p.Ala870Thr)

Gene: SCN1A (sodium voltage-gated channel alpha subunit 1; minus strand). Cytogenetic location: 2q24.3.
Variant type: single nucleotide variant.
Coding change: c.2608G>A on transcript NM_001165963.4 (MANE Select); coding-DNA position 2608, G replaced by A.
Protein change: p.Ala870Thr; replaces alanine 870 with threonine.
Molecular consequence: missense variant. On other transcripts: non-coding transcript variant (1).
Genome position (GRCh38, 1-based): chr2:166,038,114, C>T on the plus strand (G>A on the coding strand, the complement: SCN1A is on the minus strand). VCF-style: chr2-166038114-C-T. GRCh37 (hg19) VCF-style: chr2-166894624-C-T.
Other names: c.2524G>A, p.Ala842Thr (NM_001165964.3, NM_001353957.2, NM_001353958.2); c.2608G>A, p.Ala870Thr (NM_001202435.3, NM_001353948.2); c.2575G>A, p.Ala859Thr (NM_001353949.2, NM_001353950.2, NM_001353951.2 and 2 more transcripts); c.2572G>A, p.Ala858Thr (NM_001353954.2, NM_001353955.2); c.2521G>A, p.Ala841Thr (NM_001353960.2); c.166G>A, p.Ala56Thr (NM_001353961.2); short protein forms A859T, A56T, A841T, A870T, A842T, A858T.
Identifiers: ClinVar variation 2847504 (VCV002847504.3), dbSNP rs2468100979, ClinGen allele CA349061762.

ClinVar aggregate classification (germline): Uncertain significance (1 of 4 stars; one submission).

Conditions:
Early-infantile DEE. Also called: Early infantile epileptic encephalopathy; Early infantile epileptic encephalopathy with suppression bursts; Ohtahara syndrome. Identifiers: Orphanet 1934, MedGen C0393706, MONDO:0800491.

Submission:

Labcorp Genetics (formerly Invitae), Labcorp
Classification: Uncertain significance for Early-infantile DEE. Last evaluated: 2024-05-29. Review status: criteria provided, single submitter. Criteria: Invitae Variant Classification Sherloc (09022015). Collection method: clinical testing. Allele origin: germline.
Comment: This sequence change replaces alanine, which is neutral and non-polar, with threonine, which is neutral and polar, at codon 870 of the SCN1A protein (p.Ala870Thr). This variant is not present in population databases (gnomAD no frequency). This variant has not been reported in the literature in individuals affected with SCN1A-related conditions. Advanced modeling of protein sequence and biophysical properties (such as structural, functional, and spatial information, amino acid conservation, physicochemical variation, residue mobility, and thermodynamic stability) performed at Invitae indicates that this missense variant is expected to disrupt SCN1A protein function with a positive predictive value of 95%. In summary, the available evidence is currently insufficient to determine the role of this variant in disease. Therefore, it has been classified as a Variant of Uncertain Significance.